The following is an entry in ClinVar:

NM_000540.3(RYR1):c.12416G>A (p.Gly4139Asp)

Gene: RYR1 (ryanodine receptor 1; plus strand). Cytogenetic location: 19q13.2.
Variant type: single nucleotide variant.
Coding change: c.12416G>A on transcript NM_000540.3 (MANE Select); coding-DNA position 12416, G replaced by A.
Protein change: p.Gly4139Asp; replaces glycine 4139 with aspartic acid.
Molecular consequence: missense variant.
Genome position (GRCh38, 1-based): chr19:38,561,246, G>A. VCF-style: chr19-38561246-G-A. GRCh37 (hg19) VCF-style: chr19-39051886-G-A.
Other names: c.12401G>A, p.Gly4134Asp (NM_001042723.2); short protein forms G4134D, G4139D.
Identifiers: ClinVar variation 1366247 (VCV001366247.8), dbSNP rs1973122520, ClinGen allele CA405668748.
Genomic context (GRCh38, chr19:38,561,246, plus strand): 5'-ACGAAATGATCAACTGCGAAGAGTTCGCCAACCGCTTCCAGGAGCCAGCACGCGACATCG[G>A]CTTCAACGTGGCGGTGCTGCTGACCAACCTGTCGGAGCATGTGCCGCATGACCCTCGCCT-3'
Protein context (NP_000531.2, residues 4129-4149): NRFQEPARDI[Gly4139Asp]FNVAVLLTNL

ClinVar aggregate classification (germline): Uncertain significance (1 of 4 stars; one submission).

Conditions:
RYR1-related disorder. Also called: RYR1-related condition; RYR1-related disorders. Identifiers: MedGen CN239331.

Submission:

Labcorp Genetics (formerly Invitae), Labcorp
Classification: Uncertain significance for RYR1-related disorder. Last evaluated: 2023-07-31. Review status: criteria provided, single submitter. Criteria: Invitae Variant Classification Sherloc (09022015). Collection method: clinical testing. Allele origin: germline.
Comment: In summary, the available evidence is currently insufficient to determine the role of this variant in disease. Therefore, it has been classified as a Variant of Uncertain Significance. Advanced modeling of protein sequence and biophysical properties (such as structural, functional, and spatial information, amino acid conservation, physicochemical variation, residue mobility, and thermodynamic stability) performed at Invitae indicates that this missense variant is expected to disrupt RYR1 protein function. ClinVar contains an entry for this variant (Variation ID: 1366247). This variant has not been reported in the literature in individuals affected with RYR1-related conditions. This variant is not present in population databases (gnomAD no frequency). This sequence change replaces glycine, which is neutral and non-polar, with aspartic acid, which is acidic and polar, at codon 4139 of the RYR1 protein (p.Gly4139Asp).